The following is an entry in ClinVar:

NM_002941.4(ROBO1):c.20C>T (p.Pro7Leu)

Gene: ROBO1 (roundabout guidance receptor 1; minus strand). Cytogenetic location: 3p12.3.
Variant type: single nucleotide variant.
Coding change: c.20C>T on transcript NM_002941.4 (MANE Select); coding-DNA position 20, C replaced by T.
Protein change: p.Pro7Leu; replaces proline 7 with leucine.
Molecular consequence: missense variant.
Genome position (GRCh38, 1-based): chr3:79,589,892, G>A on the plus strand (C>T on the coding strand, the complement: ROBO1 is on the minus strand). VCF-style: chr3-79589892-G-A. GRCh37 (hg19) VCF-style: chr3-79639042-G-A.
Other names: short protein forms P7L.
Identifiers: ClinVar variation 3615978 (VCV003615978.2).

ClinVar aggregate classification (germline): Uncertain significance (1 of 4 stars; one submission).

gnomAD v4.1: 20 of 1,610,486 alleles (0.0012%); highest among the groups gnomAD compares: Middle Eastern, 0.017%; no homozygotes.

Submission:

Labcorp Genetics (formerly Invitae), Labcorp
Classification: Uncertain significance. Last evaluated: 2025-01-06. Review status: criteria provided, single submitter. Criteria: Invitae Variant Classification Sherloc (09022015). Collection method: clinical testing. Allele origin: germline.
Comment: This sequence change replaces proline, which is neutral and non-polar, with leucine, which is neutral and non-polar, at codon 7 of the ROBO1 protein (p.Pro7Leu). This variant is present in population databases (rs768169545, gnomAD 0.0009%). This variant has not been reported in the literature in individuals affected with ROBO1-related conditions. Invitae Evidence Modeling of protein sequence and biophysical properties (such as structural, functional, and spatial information, amino acid conservation, physicochemical variation, residue mobility, and thermodynamic stability) indicates that this missense variant is not expected to disrupt ROBO1 protein function with a negative predictive value of 95%. In summary, the available evidence is currently insufficient to determine the role of this variant in disease. Therefore, it has been classified as a Variant of Uncertain Significance.